The following is an entry in ClinVar:

ClinVar aggregate classification (germline): Likely benign (0 of 4 stars; one submission).

Conditions:
ZFHX3-related disorder. Also called: ZFHX3-related condition.

Allele frequency attached by ClinVar (database versions not stated): ExAC 0.00026; ESP Exome Variant Server 0.00031; 1000 Genomes Project 30x 0.00047; 1000 Genomes Project 0.00060; TOPMed 0.00066; gnomAD 0.00073.
gnomAD v4.1: 306 of 1,613,784 alleles (0.019%); highest among the groups gnomAD compares: African/African-American, 0.17%; 1 homozygote.

Submission:

PreventionGenetics, part of Exact Sciences
Classification: Likely benign for ZFHX3-related condition. Last evaluated: 2022-07-25. Review status: no assertion criteria provided. Collection method: clinical testing. Allele origin: germline.
Comment: This variant is classified as likely benign based on ACMG/AMP sequence variant interpretation guidelines (Richards et al. 2015 PMID: 25741868, with internal and published modifications).

NM_006885.4(ZFHX3):c.5714C>T (p.Pro1905Leu)

Genes: ZFHX3 (zinc finger homeobox 3; minus strand), ZFHX3-AS1 (ZFHX3 antisense RNA 1; plus strand). Cytogenetic location: 16q22.2.
Variant type: single nucleotide variant.
Coding change: c.5714C>T on transcript NM_006885.4 (MANE Select); coding-DNA position 5714, C replaced by T.
Protein change: p.Pro1905Leu; replaces proline 1905 with leucine.
Molecular consequence: missense variant.
Genome position (GRCh38, 1-based): chr16:72,796,968, G>A on the plus strand (C>T on the coding strand, the complement: ZFHX3 is on the minus strand). VCF-style: chr16-72796968-G-A. GRCh37 (hg19) VCF-style: chr16-72830867-G-A.
Other names: c.2972C>T, p.Pro991Leu (NM_001164766.2); c.5714C>T, p.Pro1905Leu (NM_001386735.1); short protein forms P1905L, P991L.
Identifiers: ClinVar variation 3049155 (VCV003049155.2), dbSNP rs140265460, ClinGen allele CA8163545.